The following is an entry in ClinVar:

ClinVar aggregate classification (germline): Uncertain significance (1 of 4 stars; one submission).

Conditions:
Hereditary cancer-predisposing syndrome. Also called: Neoplastic Syndromes, Hereditary; Tumor predisposition; Hereditary Cancer Syndrome; Hereditary neoplastic syndrome. Identifiers: Orphanet 140162, MedGen C0027672, MeSH D009386, MONDO:0015356.

Submission:

Ambry Genetics
Classification: Uncertain significance for Hereditary cancer-predisposing syndrome. Last evaluated: 2025-08-04. Review status: criteria provided, single submitter. Criteria: Ambry Variant Classification Scheme 2023. Collection method: clinical testing. Allele origin: germline.
Comment: The p.A1012T variant (also known as c.3034G>A), located in coding exon 10 of the BRCA2 gene, results from a G to A substitution at nucleotide position 3034. The alanine at codon 1012 is replaced by threonine, an amino acid with similar properties. This amino acid position is highly conserved in available vertebrate species. In addition, this alteration is predicted to be deleterious by in silico analysis. Based on the available evidence, the clinical significance of this variant remains unclear.

NM_000059.4(BRCA2):c.3034G>A (p.Ala1012Thr)

Gene: BRCA2 (BRCA2 DNA repair associated; plus strand). Cytogenetic location: 13q13.1.
Variant type: single nucleotide variant.
Coding change: c.3034G>A on transcript NM_000059.4 (MANE Select); coding-DNA position 3034, G replaced by A.
Protein change: p.Ala1012Thr; replaces alanine 1012 with threonine.
Molecular consequence: missense variant. On other transcripts: non-coding transcript variant (1), intron variant (2).
Genome position (GRCh38, 1-based): chr13:32,337,389, G>A. VCF-style: chr13-32337389-G-A. GRCh37 (hg19) VCF-style: chr13-32911526-G-A.
Other names: c.3034G>A, p.Ala1012Thr (NM_001406719.1, NM_001406720.1, NM_001432077.1); c.1909+4002G>A (NM_001406721.1); c.424+6359G>A (NM_001406722.1); short protein forms A1012T.
Identifiers: ClinVar variation 4215253 (VCV004215253.1).